The following is an entry in ClinVar:

NM_177438.3(DICER1):c.4905A>C (p.Lys1635Asn)

Gene: DICER1 (dicer 1, ribonuclease III; minus strand). Cytogenetic location: 14q32.13.
Variant type: single nucleotide variant.
Coding change: c.4905A>C on transcript NM_177438.3 (MANE Select); coding-DNA position 4905, A replaced by C.
Protein change: p.Lys1635Asn; replaces lysine 1635 with asparagine.
Molecular consequence: missense variant.
Genome position (GRCh38, 1-based): chr14:95,096,015, T>G on the plus strand (A>C on the coding strand, the complement: DICER1 is on the minus strand). VCF-style: chr14-95096015-T-G. GRCh37 (hg19) VCF-style: chr14-95562352-T-G.
Other names: c.4905A>C, p.Lys1635Asn (NM_001195573.1, NM_001271282.3, NM_001291628.2 and 1 more transcripts); short protein forms K1635N.
Identifiers: ClinVar variation 582236 (VCV000582236.11), dbSNP rs1566754081, ClinGen allele CA390866368.
Genomic context (GRCh38, chr14:95,096,015, plus strand): 5'-TGCATCTGGATGATCAAACATACATCTTGGTGGAATCTTCAAACAACCATATTCCGAGTC[T>G]TTCAATACAGAAGAGCGTGAACTGGCCACAGAAGCAGCAGCACAGCTCACTGAAAGGTTC-3'
Protein context (NP_803187.1, residues 1625-1645): SVASSRSSVL[Lys1635Asn]DSEYGCLKIP

ClinVar aggregate classification (germline): Uncertain significance. Review status: criteria provided, multiple submitters, no conflicts (2 of 4 stars). 2 submissions from 2 submitters: Uncertain significance (2). Last evaluated 2025-08-20.

Conditions:
DICER1-related tumor predisposition. Also called: DICER1 syndrome; DICER1-related pleuropulmonary blastoma cancer predisposition syndrome. Identifiers: Orphanet 284343, MedGen C3839822, MONDO:0100216.
Hereditary cancer-predisposing syndrome. Also called: Neoplastic Syndromes, Hereditary; Hereditary Cancer Syndrome; Tumor predisposition; Hereditary neoplastic syndrome. Identifiers: Orphanet 140162, MedGen C0027672, MeSH D009386, MONDO:0015356.

Submissions (2):

Ambry Genetics
Classification: Uncertain significance for Hereditary cancer-predisposing syndrome. Last evaluated: 2025-08-20. Review status: criteria provided, single submitter. Criteria: Ambry Variant Classification Scheme 2023. Collection method: clinical testing. Allele origin: germline.
Comment: The p.K1635N variant (also known as c.4905A>C), located in coding exon 22 of the DICER1 gene, results from an A to C substitution at nucleotide position 4905. The lysine at codon 1635 is replaced by asparagine, an amino acid with similar properties. This amino acid position is conserved. In addition, this alteration is predicted to be tolerated by in silico analysis. Based on the available evidence, the clinical significance of this variant remains unclear.

Labcorp Genetics (formerly Invitae), Labcorp
Classification: Uncertain significance for DICER1-related tumor predisposition. Last evaluated: 2024-05-26. Review status: criteria provided, single submitter. Criteria: Invitae Variant Classification Sherloc (09022015). Collection method: clinical testing. Allele origin: germline.
Comment: This sequence change replaces lysine, which is basic and polar, with asparagine, which is neutral and polar, at codon 1635 of the DICER1 protein (p.Lys1635Asn). This variant is not present in population databases (gnomAD no frequency). This variant has not been reported in the literature in individuals affected with DICER1-related conditions. ClinVar contains an entry for this variant (Variation ID: 582236). An algorithm developed to predict the effect of missense changes on protein structure and function (PolyPhen-2) suggests that this variant is likely to be tolerated. In summary, the available evidence is currently insufficient to determine the role of this variant in disease. Therefore, it has been classified as a Variant of Uncertain Significance.